The following is an entry in ClinVar:

NM_031935.3(HMCN1):c.7705+2T>G

Gene: HMCN1 (hemicentin 1; plus strand). Cytogenetic location: 1q31.1.
Variant type: single nucleotide variant.
Coding change: c.7705+2T>G on transcript NM_031935.3 (MANE Select); the canonical splice donor site of the intron after coding-DNA position 7705, T replaced by G.
Molecular consequence: splice donor variant.
Genome position (GRCh38, 1-based): chr1:186,065,431, T>G. VCF-style: chr1-186065431-T-G. GRCh37 (hg19) VCF-style: chr1-186034563-T-G.
Identifiers: ClinVar variation 1362559 (VCV001362559.6), dbSNP rs2102326135, ClinGen allele CA343907538.
Genomic context (GRCh38, chr1:186,065,431, plus strand): 5'-ATGTTTGGCTTCCAGTCCAGCTGGCCACAAGAGCAGGAGCTTCAGTCTTAATGTATTTGG[T>G]AGGTGTGGGCTTTTCTTCATATCTTAAAGAATCTGACATGACTGTAGGCTAAATTTTCTT-3'

ClinVar aggregate classification (germline): Uncertain significance (1 of 4 stars; one submission).

Submission:

Labcorp Genetics (formerly Invitae), Labcorp
Classification: Uncertain significance. Last evaluated: 2022-08-16. Review status: criteria provided, single submitter. Criteria: Invitae Variant Classification Sherloc (09022015). Collection method: clinical testing. Allele origin: germline.
Comment: This variant has not been reported in the literature in individuals affected with HMCN1-related conditions. This variant is not present in population databases (gnomAD no frequency). This sequence change affects a donor splice site in intron 49 of the HMCN1 gene. It is expected to disrupt RNA splicing. Variants that disrupt the donor or acceptor splice site typically lead to a loss of protein function (PMID: 16199547), however the current clinical and genetic evidence is not sufficient to establish whether loss-of-function variants in HMCN1 cause disease. ClinVar contains an entry for this variant (Variation ID: 1362559). In summary, the available evidence is currently insufficient to determine the role of this variant in disease. Therefore, it has been classified as a Variant of Uncertain Significance. Algorithms developed to predict the effect of sequence changes on RNA splicing suggest that this variant may disrupt the consensus splice site.

Literature cited by the submitters: PubMed 16199547.